The following is an entry in ClinVar:

ClinVar aggregate classification (germline): Uncertain significance (1 of 4 stars; one submission).

Allele frequency attached by ClinVar (database versions not stated): gnomAD exomes below 0.00001.
gnomAD v4.1: 4 of 1,613,210 alleles (0.00025%); highest among the groups gnomAD compares: Non-Finnish European, 0.00025%; no homozygotes.

Submission:

Labcorp Genetics (formerly Invitae), Labcorp
Classification: Uncertain significance. Last evaluated: 2023-03-12. Review status: criteria provided, single submitter. Criteria: Invitae Variant Classification Sherloc (09022015). Collection method: clinical testing. Allele origin: germline.
Comment: This sequence change replaces leucine, which is neutral and non-polar, with isoleucine, which is neutral and non-polar, at codon 306 of the THPO protein (p.Leu306Ile). This variant is not present in population databases (gnomAD no frequency). This variant has not been reported in the literature in individuals affected with THPO-related conditions. Advanced modeling of protein sequence and biophysical properties (such as structural, functional, and spatial information, amino acid conservation, physicochemical variation, residue mobility, and thermodynamic stability) performed at Invitae indicates that this missense variant is not expected to disrupt THPO protein function. In summary, the available evidence is currently insufficient to determine the role of this variant in disease. Therefore, it has been classified as a Variant of Uncertain Significance.

NM_000460.4(THPO):c.916C>A (p.Leu306Ile)

Gene: THPO (thrombopoietin; minus strand). Cytogenetic location: 3q27.1.
Variant type: single nucleotide variant.
Coding change: c.916C>A on transcript NM_000460.4 (MANE Select); coding-DNA position 916, C replaced by A.
Protein change: p.Leu306Ile; replaces leucine 306 with isoleucine.
Molecular consequence: missense variant.
Genome position (GRCh38, 1-based): chr3:184,372,659, G>T on the plus strand (C>A on the coding strand, the complement: THPO is on the minus strand). VCF-style: chr3-184372659-G-T. GRCh37 (hg19) VCF-style: chr3-184090447-G-T.
Other names: c.904C>A, p.Leu302Ile (NM_001177597.2, NM_001290022.1); c.899C>A, p.Ala300Asp (NM_001177598.2, NM_001290026.1); c.800C>A, p.Ala267Asp (NM_001289997.1, NM_001290027.1); c.916C>A, p.Leu306Ile (NM_001289998.1, NM_001290028.1); c.1336C>A, p.Leu446Ile (NM_001290003.1); short protein forms L302I, A267D, A300D, L306I, L446I.
Identifiers: ClinVar variation 2785638 (VCV002785638.3), dbSNP rs1391065739, ClinGen allele CA355461320.